The following is an entry in ClinVar:

ClinVar aggregate classification (germline): Benign (0 of 4 stars; one submission).

Conditions:
ITIH4-related disorder. Also called: ITIH4-related condition.

Allele frequency attached by ClinVar (database versions not stated): gnomAD exomes 0.39849; ExAC 0.43111; ESP Exome Variant Server 0.47432; gnomAD 0.47968; TOPMed 0.50294; 1000 Genomes Project 0.50779; 1000 Genomes Project 30x 0.51733.
gnomAD v4.1: 651,536 of 1,603,458 alleles (41%); highest among the groups gnomAD compares: African/African-American, 67%; 137,055 homozygotes.

Submission:

PreventionGenetics, part of Exact Sciences
Classification: Benign for ITIH4-related condition. Last evaluated: 2019-10-17. Review status: no assertion criteria provided. Collection method: clinical testing. Allele origin: germline.
Comment: This variant is classified as benign based on ACMG/AMP sequence variant interpretation guidelines (Richards et al. 2015 PMID: 25741868, with internal and published modifications).

NM_002218.5(ITIH4):c.2296+8A>G

Gene: ITIH4 (inter-alpha-trypsin inhibitor heavy chain 4; minus strand). Cytogenetic location: 3p21.1.
Variant type: single nucleotide variant.
Coding change: c.2296+8A>G on transcript NM_002218.5 (MANE Select); 8 bases into the intron after coding-DNA position 2296, A replaced by G.
Molecular consequence: intron variant.
Genome position (GRCh38, 1-based): chr3:52,818,044, T>C on the plus strand (A>G on the coding strand, the complement: ITIH4 is on the minus strand). VCF-style: chr3-52818044-T-C. GRCh37 (hg19) VCF-style: chr3-52852060-T-C.
Other names: c.2206+8A>G (NM_001166449.2).
Identifiers: ClinVar variation 3059539 (VCV003059539.2), dbSNP rs2245538, ClinGen allele CA2449021.